The following is an entry in ClinVar:

ClinVar aggregate classification (germline): Conflicting classifications of pathogenicity. Review status: criteria provided, conflicting classifications (1 of 4 stars). 2 submissions from 2 submitters: Uncertain significance (1); Likely benign (1). Last evaluated 2026-07-22.

Conditions:
Hereditary cancer-predisposing syndrome. Also called: Tumor predisposition; Hereditary Cancer Syndrome; Hereditary neoplastic syndrome; Neoplastic Syndromes, Hereditary. Identifiers: Orphanet 140162, MedGen C0027672, MeSH D009386, MONDO:0015356.
Cardiovascular phenotype. Identifiers: MedGen CN230736.
Neurofibromatosis, type 1 (NF1). Also called: NEUROFIBROMATOSIS, TYPE I, SOMATIC; Peripheral type neurofibromatosis; VON RECKLINGHAUSEN DISEASE; Neurofibromatosis, type I. Identifiers: Orphanet 636, MedGen C0027831, MONDO:0018975, OMIM 162200. Disease mechanism: loss of function.

Submissions (2):

Ambry Genetics
Classification: Uncertain significance for Cardiovascular phenotype; Hereditary cancer-predisposing syndrome. Last evaluated: 2026-07-22. Review status: criteria provided, single submitter. Criteria: Ambry Variant Classification Scheme 2023. Collection method: clinical testing. Allele origin: germline.
Comment: The c.6859-5G>T intronic variant results from a G to T substitution 5 nucleotides upstream from coding exon 46 in the NF1 gene. This nucleotide position is not well conserved in available vertebrate species. In silico splice site analysis predicts that this alteration will not have any significant effect on splicing. Based on the available evidence, the clinical significance of this variant remains unclear.

Labcorp Genetics (formerly Invitae), Labcorp
Classification: Likely benign for Neurofibromatosis, type 1. Last evaluated: 2022-07-17. Review status: criteria provided, single submitter. Criteria: Invitae Variant Classification Sherloc (09022015). Collection method: clinical testing. Allele origin: germline.

NM_001042492.3(NF1):c.6922-5G>T

Gene: NF1 (neurofibromin 1; plus strand). Cytogenetic location: 17q11.2.
Variant type: single nucleotide variant.
Coding change: c.6922-5G>T on transcript NM_001042492.3 (MANE Select); 5 bases into the intron before coding-DNA position 6922, G replaced by T.
Molecular consequence: intron variant.
Genome position (GRCh38, 1-based): chr17:31,340,500, G>T. VCF-style: chr17-31340500-G-T. GRCh37 (hg19) VCF-style: chr17-29667518-G-T.
Other names: c.6859-5G>T (NM_000267.4, NM_000267.3).
Identifiers: ClinVar variation 2181193 (VCV002181193.5), dbSNP rs1555535158, ClinGen allele CA2255603873.